The following is an entry in ClinVar:

ClinVar aggregate classification (germline): Pathogenic. Review status: criteria provided, multiple submitters, no conflicts (2 of 4 stars). 3 submissions from 3 submitters: Pathogenic (2). 1 of the submissions does not count toward it. Last evaluated 2021-01-05.

Conditions:
Emery-Dreifuss muscular dystrophy 4, autosomal dominant (EDMD4). Also called: EMERY-DREIFUSS MUSCULAR DYSTROPHY 4 WITH VARIABLE FEATURES. Identifiers: Orphanet 261, MedGen C2751807, MONDO:0013071, OMIM 612998.
Autosomal recessive ataxia, Beauce type. Also called: Spinocerebellar ataxia, autosomal recessive 8; ATAXIA, RECESSIVE, OF BEAUCE; SYNE1-Related Autosomal Recessive Cerebellar Ataxia; SYNE1 Deficiency. Identifiers: Orphanet 88644, MedGen C1853116, MONDO:0012549, OMIM 610743.

Allele frequency attached by ClinVar (database versions not stated): gnomAD 0.00002 and 0.00003; 1000 Genomes Project 30x 0.00016; 1000 Genomes Project 0.00020; gnomAD exomes below 0.00001 and 0.00001; TOPMed below 0.00001; ExAC 0.00002.
gnomAD v4.1: 10 of 1,614,106 alleles (0.00062%); highest among the groups gnomAD compares: African/African-American, 0.0027%; no homozygotes.

Submissions (3):

GeneDx
Classification: Pathogenic. Last evaluated: 2021-01-05. Review status: criteria provided, single submitter. Criteria: GeneDx Variant Classification Process June 2021. Collection method: clinical testing. Allele origin: germline. Affected: yes.
Comment: Nonsense variant predicted to result in protein truncation or nonsense mediated decay in a gene for which loss-of-function is a known mechanism of disease; Not observed at a significant frequency in large population cohorts (Lek et al., 2016); Has not been previously published as pathogenic or benign to our knowledge

Genomic Research Center, Shahid Beheshti University of Medical Sciences
Classification: Pathogenic for Emery-Dreifuss muscular dystrophy 4, autosomal dominant. Last evaluated: 2020-05-03. Review status: criteria provided, single submitter. Criteria: ACMG Guidelines, 2015. Collection method: clinical testing. Allele origin: unknown. Affected: yes.

Solve-RD Consortium
Classification: Likely pathogenic for Autosomal recessive ataxia, Beauce type. Last evaluated: 2022-06-01. Review status: no assertion criteria provided. Collection method: provider interpretation. Allele origin: inherited. Affected: yes. Not counted in ClinVar's aggregate classification.
Comment: Variant confirmed as disease-causing by referring clinical team

Variant identified during reanalysis of unsolved cases by the Solve-RD project. The Solve-RD project has received funding from the European Union’s Horizon 2020 research and innovation programme under grant agreement No 779257.

Literature cited by the submitters: PubMed 39825153 (cited by Solve-RD Consortium).

NM_182961.4(SYNE1):c.9208C>T (p.Arg3070Ter)

Gene: SYNE1 (spectrin repeat containing nuclear envelope protein 1; minus strand). Cytogenetic location: 6q25.2.
Variant type: single nucleotide variant.
Coding change: c.9208C>T on transcript NM_182961.4 (MANE Select); coding-DNA position 9208, C replaced by T.
Protein change: p.Arg3070Ter; replaces arginine 3070 with a stop codon.
Molecular consequence: nonsense.
Genome position (GRCh38, 1-based): chr6:152,376,497, G>A on the plus strand (C>T on the coding strand, the complement: SYNE1 is on the minus strand). VCF-style: chr6-152376497-G-A. GRCh37 (hg19) VCF-style: chr6-152697632-G-A.
Other names: c.9229C>T, p.Arg3077Ter (NM_033071.5); short protein forms R3070*, R3077*.
Identifiers: ClinVar variation 915366 (VCV000915366.6), dbSNP rs549779256, ClinGen allele CA4057370.